The following is an entry in ClinVar:

ClinVar aggregate classification (germline): Uncertain significance (1 of 4 stars; one submission).

Conditions:
Primary ciliary dyskinesia. Also called: Ciliary dyskinesia. Identifiers: Orphanet 244, MedGen C0008780, MONDO:0016575, HP:0012265.

Submission:

Labcorp Genetics (formerly Invitae), Labcorp
Classification: Uncertain significance for Primary ciliary dyskinesia. Last evaluated: 2020-10-01. Review status: criteria provided, single submitter. Criteria: Invitae Variant Classification Sherloc (09022015). Collection method: clinical testing. Allele origin: germline.
Comment: This sequence change replaces histidine with tyrosine at codon 3630 of the DNAH5 protein (p.His3630Tyr). The histidine residue is highly conserved and there is a moderate physicochemical difference between histidine and tyrosine. This variant is not present in population databases (ExAC no frequency). This variant has not been reported in the literature in individuals with DNAH5-related conditions. Advanced modeling of protein sequence and biophysical properties (such as structural, functional, and spatial information, amino acid conservation, physicochemical variation, residue mobility, and thermodynamic stability) performed at Invitae indicates that this missense variant is not expected to disrupt DNAH5 protein function. In summary, the available evidence is currently insufficient to determine the role of this variant in disease. Therefore, it has been classified as a Variant of Uncertain Significance.

NM_001369.3(DNAH5):c.10888C>T (p.His3630Tyr)

Gene: DNAH5 (dynein axonemal heavy chain 5; minus strand). Cytogenetic location: 5p15.2.
Variant type: single nucleotide variant.
Coding change: c.10888C>T on transcript NM_001369.3 (MANE Select); coding-DNA position 10888, C replaced by T.
Protein change: p.His3630Tyr; replaces histidine 3630 with tyrosine.
Molecular consequence: missense variant.
Genome position (GRCh38, 1-based): chr5:13,752,274, G>A on the plus strand (C>T on the coding strand, the complement: DNAH5 is on the minus strand). VCF-style: chr5-13752274-G-A. GRCh37 (hg19) VCF-style: chr5-13752383-G-A.
Other names: short protein forms H3630Y.
Identifiers: ClinVar variation 1014729 (VCV001014729.9), dbSNP rs1750346300, ClinGen allele CA359190509.
Genomic context (GRCh38, chr5:13,752,274, plus strand): 5'-CAATAAGCAAAGGCCTTCCAAGAGAAAGGCTGTCTTCCAGGTGGTTTCTGAAGTACTTGT[G>A]ATTTAAAGACGTGATCTAGGAACAGGATCACAAGGTTGCTATTGGCAGACATTACCATGA-3'
Protein context (NP_001360.1, residues 3620-3640): RNELQITSLN[His3630Tyr]KYFRNHLEDS